The following is an entry in ClinVar:

NM_001171613.2(PREPL):c.1815T>G (p.Asp605Glu)

Genes: PREPL (prolyl endopeptidase like; minus strand), SLC3A1 (solute carrier family 3 member 1; plus strand). Cytogenetic location: 2p21.
Variant type: single nucleotide variant.
Coding change: c.1815T>G on transcript NM_001171613.2 (MANE Select); coding-DNA position 1815, T replaced by G.
Protein change: p.Asp605Glu; replaces aspartic acid 605 with glutamic acid.
Molecular consequence: missense variant.
Genome position (GRCh38, 1-based): chr2:44,321,839, A>C on the plus strand (T>G on the coding strand, the complement: PREPL is on the minus strand). VCF-style: chr2-44321839-A-C. GRCh37 (hg19) VCF-style: chr2-44548978-A-C.
Other names: c.1896T>G, p.Asp632Glu (NM_001042385.2); c.1884T>G, p.Asp628Glu (NM_001042386.2); c.2082T>G, p.Asp694Glu (NM_001171603.1, NM_001171606.2, NM_001374275.1 and 2 more transcripts); c.1815T>G, p.Asp605Glu (NM_001171617.1, NM_001374277.1); short protein forms D628E, D632E, D694E, D605E.
Identifiers: ClinVar variation 1483433 (VCV001483433.8), dbSNP rs2103667636, ClinGen allele CA346687858.
Genomic context (GRCh38, chr2:44,321,839, plus strand): 5'-TGTATCTAGTTCGGGAATCTGTCCACTGAGAGGGCCTTGATAACATACCTTTTTGTGAGA[A>C]TCCTCAATTACATGATTGCCTCCAGGCTGAATATCTAGAATAATATTAGGGGTCTGATAG-3'
Protein context (NP_001165084.1, residues 595-615): IQPGGNHVIE[Asp605Glu]SHKKITAQIK

ClinVar aggregate classification (germline): Uncertain significance (1 of 4 stars; one submission).

Conditions:
Myasthenic syndrome, congenital, 22 (CMS22). Also called: PREPL DEFICIENCY. Identifiers: MedGen C4479088, MONDO:0044299, OMIM 616224.

Submission:

Labcorp Genetics (formerly Invitae), Labcorp
Classification: Uncertain significance for Myasthenic syndrome, congenital, 22. Last evaluated: 2022-08-12. Review status: criteria provided, single submitter. Criteria: Invitae Variant Classification Sherloc (09022015). Collection method: clinical testing. Allele origin: germline.
Comment: This sequence change replaces aspartic acid, which is acidic and polar, with glutamic acid, which is acidic and polar, at codon 694 of the PREPL protein (p.Asp694Glu). This variant is not present in population databases (gnomAD no frequency). In summary, the available evidence is currently insufficient to determine the role of this variant in disease. Therefore, it has been classified as a Variant of Uncertain Significance. Algorithms developed to predict the effect of missense changes on protein structure and function are either unavailable or do not agree on the potential impact of this missense change (SIFT: "Deleterious"; PolyPhen-2: "Benign"; Align-GVGD: "Class C0"). ClinVar contains an entry for this variant (Variation ID: 1483433). This variant has not been reported in the literature in individuals affected with PREPL-related conditions.